The following is an entry in ClinVar:

ClinVar aggregate classification (germline): Uncertain significance (1 of 4 stars; one submission).

Conditions:
Autosomal recessive limb-girdle muscular dystrophy type 2O. Also called: Limb-Girdle Muscular Dystrophy Type 3C; MUSCULAR DYSTROPHY-DYSTROGLYCANOPATHY (LIMB-GIRDLE), TYPE C, 3; MUSCULAR DYSTROPHY-DYSTROGLYCANOPATHY, LIMB-GIRDLE, POMGNT1-RELATED. Identifiers: Orphanet 206564, MedGen C3150417, MONDO:0013161, OMIM 613157.
Muscular dystrophy-dystroglycanopathy (congenital with impaired intellectual development), type B, 3. Also called: MUSCULAR DYSTROPHY, CONGENITAL, POMGNT1-RELATED; Muscular dystrophy-dystroglycanopathy (congenital with intellectual disability), type B3. Identifiers: MedGen C3150412, MONDO:0013155, OMIM 613151.

Allele frequency attached by ClinVar (database versions not stated): gnomAD exomes below 0.00001.
gnomAD v4.1: 2 of 1,614,170 alleles (0.00012%); highest among the groups gnomAD compares: Non-Finnish European, 0.00017%; no homozygotes.

Submission:

Labcorp Genetics (formerly Invitae), Labcorp
Classification: Uncertain significance for Autosomal recessive limb-girdle muscular dystrophy type 2O; Muscular dystrophy-dystroglycanopathy (congenital with impaired intellectual development), type B, 3. Last evaluated: 2022-07-05. Review status: criteria provided, single submitter. Criteria: Invitae Variant Classification Sherloc (09022015). Collection method: clinical testing. Allele origin: germline.
Comment: This sequence change replaces threonine, which is neutral and polar, with isoleucine, which is neutral and non-polar, at codon 334 of the POMGNT1 protein (p.Thr334Ile). This variant is not present in population databases (gnomAD no frequency). This variant has not been reported in the literature in individuals affected with POMGNT1-related conditions. ClinVar contains an entry for this variant (Variation ID: 1430561). Advanced modeling of protein sequence and biophysical properties (such as structural, functional, and spatial information, amino acid conservation, physicochemical variation, residue mobility, and thermodynamic stability) performed at Invitae indicates that this missense variant is not expected to disrupt POMGNT1 protein function. In summary, the available evidence is currently insufficient to determine the role of this variant in disease. Therefore, it has been classified as a Variant of Uncertain Significance.

NM_017739.4(POMGNT1):c.1001C>T (p.Thr334Ile)

Genes: POMGNT1 (protein O-linked mannose N-acetylglucosaminyltransferase 1 (beta 1,2-); minus strand), TSPAN1 (tetraspanin 1; plus strand). Cytogenetic location: 1p34.1.
Variant type: single nucleotide variant.
Coding change: c.1001C>T on transcript NM_017739.4 (MANE Select); coding-DNA position 1001, C replaced by T.
Protein change: p.Thr334Ile; replaces threonine 334 with isoleucine.
Molecular consequence: missense variant.
Genome position (GRCh38, 1-based): chr1:46,193,589, G>A on the plus strand (C>T on the coding strand, the complement: POMGNT1 is on the minus strand). VCF-style: chr1-46193589-G-A. GRCh37 (hg19) VCF-style: chr1-46659261-G-A.
Other names: c.1001C>T, p.Thr334Ile (NM_001243766.2, NM_001410783.1); c.935C>T, p.Thr312Ile (NM_001290129.3); c.572C>T, p.Thr191Ile (NM_001290130.2); short protein forms T191I, T312I, T334I.
Identifiers: ClinVar variation 1430561 (VCV001430561.3), dbSNP rs1027415099, ClinGen allele CA21913781.
Genomic context (GRCh38, chr1:46,193,589, plus strand): 5'-TACTCCACCCGAGGCACCCCCCAAGTCCTGCTCACCTCATAGTAGCCGTCAATGAAAACT[G>A]TTATCATCTGAGGAGACACCCCCTGGGCTGAAAGCAGAGAGCGCAGCATCCTGGGGAGCC-3'
Protein context (NP_060209.4, residues 324-344): SAQGVSPQMI[Thr334Ile]VFIDGYYEEP